The following is an entry in ClinVar:

ClinVar aggregate classification (germline): Conflicting classifications of pathogenicity. Review status: criteria provided, conflicting classifications (1 of 4 stars). 2 submissions from 1 submitter: Uncertain significance (1); Likely benign (1). Last evaluated 2018-01-13.

Conditions:
Retinitis pigmentosa (RP). Identifiers: Orphanet 791, MedGen C0035334, MeSH D012174, MONDO:0019200, OMIM 268000. Inheritance: Autosomal dominant, autosomal recessive and X linked inheritance.
Oguchi disease. Also called: Oguchi's disease. Identifiers: Orphanet 75382, MedGen C1306122, MONDO:0019152.

Allele frequency attached by ClinVar (database versions not stated): gnomAD 0.00160 and 0.00170; TOPMed 0.00183; 1000 Genomes Project 30x 0.00219; 1000 Genomes Project 0.00280.

Submissions (2):

Illumina Laboratory Services, Illumina
Classification: Likely benign for Oguchi disease-1. Last evaluated: 2018-01-13. Review status: criteria provided, single submitter. Criteria: ICSL Variant Classification Criteria 13 December 2019. Collection method: clinical testing. Allele origin: germline.
Comment: This variant was observed in the ICSL laboratory as part of a predisposition screen in an ostensibly healthy population. It had not been previously curated by ICSL or reported in the Human Gene Mutation Database (HGMD: prior to June 1st, 2018), and was therefore a candidate for classification through an automated scoring system. Utilizing variant allele frequency, disease prevalence and penetrance estimates, and inheritance mode, an automated score was calculated to assess if this variant is too frequent to cause the disease. Based on the score and internal cut-off values, a variant classified as likely benign is not then subjected to further curation. The score for this variant resulted in a classification of likely benign for this disease.

Illumina Laboratory Services, Illumina
Classification: Uncertain significance for Retinitis pigmentosa. Last evaluated: 2018-01-13. Review status: criteria provided, single submitter. Criteria: ICSL Variant Classification Criteria 13 December 2019. Collection method: clinical testing. Allele origin: germline.

NM_000541.5(SAG):c.-223C>G

Gene: SAG (S-antigen visual arrestin; plus strand). Cytogenetic location: 2q37.1.
Variant type: single nucleotide variant.
Coding change: c.-223C>G on transcript NM_000541.5 (MANE Select); 223 bases upstream of the start codon, C replaced by G.
Molecular consequence: 5 prime UTR variant.
Genome position (GRCh38, 1-based): chr2:233,307,828, C>G. VCF-style: chr2-233307828-C-G. GRCh37 (hg19) VCF-style: chr2-234216474-C-G.
Identifiers: ClinVar variation 335064 (VCV000335064.5), dbSNP rs140569105, ClinGen allele CA10614879.